The following is an entry in ClinVar:

ClinVar aggregate classification (germline): Uncertain significance (1 of 4 stars; one submission).

Submission:

Labcorp Genetics (formerly Invitae), Labcorp
Classification: Uncertain significance. Last evaluated: 2022-04-23. Review status: criteria provided, single submitter. Criteria: Invitae Variant Classification Sherloc (09022015). Collection method: clinical testing. Allele origin: germline.
Comment: In summary, the available evidence is currently insufficient to determine the role of this variant in disease. Therefore, it has been classified as a Variant of Uncertain Significance. Algorithms developed to predict the effect of missense changes on protein structure and function (SIFT, PolyPhen-2, Align-GVGD) all suggest that this variant is likely to be tolerated. This variant has not been reported in the literature in individuals affected with MDH2-related conditions. This variant is not present in population databases (gnomAD no frequency). This sequence change replaces glutamic acid, which is acidic and polar, with glutamine, which is neutral and polar, at codon 313 of the MDH2 protein (p.Glu313Gln).

NM_005918.4(MDH2):c.937G>C (p.Glu313Gln)

Gene: MDH2 (malate dehydrogenase 2; plus strand). Cytogenetic location: 7q11.23.
Variant type: single nucleotide variant.
Coding change: c.937G>C on transcript NM_005918.4 (MANE Select); coding-DNA position 937, G replaced by C.
Protein change: p.Glu313Gln; replaces glutamic acid 313 with glutamine.
Molecular consequence: missense variant.
Genome position (GRCh38, 1-based): chr7:76,066,330, G>C. VCF-style: chr7-76066330-G-C. GRCh37 (hg19) VCF-style: chr7-75695648-G-C.
Other names: c.811G>C, p.Glu271Gln (NM_001282403.2); c.616G>C, p.Glu206Gln (NM_001282404.2); short protein forms E313Q, E271Q, E206Q.
Identifiers: ClinVar variation 2129817 (VCV002129817.4), dbSNP rs1554587881, ClinGen allele CA367769861.